The following is an entry in ClinVar:

NM_013382.7(POMT2):c.275T>C (p.Met92Thr)

Gene: POMT2 (protein O-mannosyltransferase 2; minus strand). Cytogenetic location: 14q24.3.
Variant type: single nucleotide variant.
Coding change: c.275T>C on transcript NM_013382.7 (MANE Select); coding-DNA position 275, T replaced by C.
Protein change: p.Met92Thr; replaces methionine 92 with threonine.
Molecular consequence: missense variant.
Genome position (GRCh38, 1-based): chr14:77,312,007, A>G on the plus strand (T>C on the coding strand, the complement: POMT2 is on the minus strand). VCF-style: chr14-77312007-A-G. GRCh37 (hg19) VCF-style: chr14-77778350-A-G.
Other names: short protein forms M92T.
Identifiers: ClinVar variation 586372 (VCV000586372.6), dbSNP rs775489616, ClinGen allele CA7286242.

ClinVar aggregate classification (germline): Uncertain significance. Review status: criteria provided, multiple submitters, no conflicts (2 of 4 stars). 4 submissions from 4 submitters: Uncertain significance (4). Last evaluated 2025-11-11.

Conditions:
Muscular dystrophy-dystroglycanopathy (congenital with brain and eye anomalies), type A2. Also called: WALKER-WARBURG SYNDROME OR MUSCLE-EYE-BRAIN DISEASE, POMT2-RELATED; MUSCULAR DYSTROPHY-DYSTROGLYCANOPATHY (CONGENITAL WITH BRAIN AND EYE ANOMALIES), TYPE A, 2. Identifiers: Orphanet 588, Orphanet 899, MedGen C3150411, MONDO:0013154, OMIM 613150.
Muscular dystrophy-dystroglycanopathy (congenital with impaired intellectual development), type B, 2. Also called: Muscular dystrophy-dystroglycanopathy (congenital with intellectual disability), type B2; MUSCULAR DYSTROPHY, CONGENITAL, POMT2-RELATED. Identifiers: MedGen C3150416, MONDO:0013160, OMIM 613156.
Autosomal recessive limb-girdle muscular dystrophy type 2N. Also called: MUSCULAR DYSTROPHY-DYSTROGLYCANOPATHY, LIMB-GIRDLE, POMT2-RELATED; Muscular dystrophy-dystroglycanopathy (limb-girdle), type C, 2. Identifiers: Orphanet 206559, MedGen C3150418, MONDO:0013162, OMIM 613158.
Inborn genetic diseases. Identifiers: MedGen C0950123, MeSH D030342.

Allele frequency attached by ClinVar (database versions not stated): ExAC 0.00001; gnomAD exomes 0.00001; TOPMed 0.00001.
gnomAD v4.1: 3 of 1,614,082 alleles (0.00019%); highest among the groups gnomAD compares: Admixed American, 0.005%; no homozygotes.

Submissions (4):

Ambry Genetics
Classification: Uncertain significance for Inborn genetic diseases. Last evaluated: 2025-11-11. Review status: criteria provided, single submitter. Criteria: Ambry Variant Classification Scheme 2023. Collection method: clinical testing. Allele origin: germline.

Women's Health and Genetics/Laboratory Corporation of America, LabCorp
Classification: Uncertain significance. Last evaluated: 2024-01-12. Review status: criteria provided, single submitter. Criteria: LabCorp Variant Classification Summary - May 2015. Collection method: clinical testing. Allele origin: germline.
Comment: Variant summary: POMT2 c.275T>C (p.Met92Thr) results in a non-conservative amino acid change located in the Glycosyl transferase family 39/83 (IPR003342) of the encoded protein sequence. Five of five in-silico tools predict a damaging effect of the variant on protein function. The variant allele was found at a frequency of 1.2e-05 in 251336 control chromosomes. The available data on variant occurrences in the general population are insufficient to allow any conclusion about variant significance. To our knowledge, no occurrence of c.275T>C in individuals affected with Limb-Girdle Muscular Dystrophy, Autosomal Recessive and no experimental evidence demonstrating its impact on protein function have been reported. ClinVar contains an entry for this variant (Variation ID: 586372). Based on the evidence outlined above, the variant was classified as uncertain significance.

Labcorp Genetics (formerly Invitae), Labcorp
Classification: Uncertain significance for Muscular dystrophy-dystroglycanopathy (congenital with impaired intellectual development), type B, 2; Muscular dystrophy-dystroglycanopathy (congenital with brain and eye anomalies), type A2; Autosomal recessive limb-girdle muscular dystrophy type 2N. Last evaluated: 2022-02-04. Review status: criteria provided, single submitter. Criteria: Invitae Variant Classification Sherloc (09022015). Collection method: clinical testing. Allele origin: germline.
Comment: This sequence change replaces methionine, which is neutral and non-polar, with threonine, which is neutral and polar, at codon 92 of the POMT2 protein (p.Met92Thr). This variant is present in population databases (rs775489616, gnomAD 0.009%). This variant has not been reported in the literature in individuals affected with POMT2-related conditions. ClinVar contains an entry for this variant (Variation ID: 586372). Algorithms developed to predict the effect of missense changes on protein structure and function (SIFT, PolyPhen-2, Align-GVGD) all suggest that this variant is likely to be disruptive. In summary, the available evidence is currently insufficient to determine the role of this variant in disease. Therefore, it has been classified as a Variant of Uncertain Significance.

Athena Diagnostics
Classification: Uncertain significance. Last evaluated: 2018-01-26. Review status: criteria provided, single submitter. Criteria: Athena Diagnostics Criteria. Collection method: clinical testing. Allele origin: germline.